The following is an entry in ClinVar:

ClinVar aggregate classification (germline): Likely benign. Review status: criteria provided, multiple submitters, no conflicts (2 of 4 stars). 4 submissions from 4 submitters: Likely benign (3). 1 of the submissions does not count toward it. Last evaluated 2025-09-03.

Conditions:
Wilson disease (WND). Also called: Wilson's disease. Identifiers: Orphanet 905, MedGen C0019202, MONDO:0010200, OMIM 277900. Disease mechanism: loss of function.

Allele frequency attached by ClinVar (database versions not stated): TOPMed below 0.00001; gnomAD exomes 0.00001.
gnomAD v4.1: 11 of 1,613,528 alleles (0.00068%); highest among the groups gnomAD compares: Non-Finnish European, 0.00093%; no homozygotes.

Submissions (4):

Labcorp Genetics (formerly Invitae), Labcorp
Classification: Likely benign for Wilson disease. Last evaluated: 2025-09-03. Review status: criteria provided, single submitter. Criteria: Invitae Variant Classification Sherloc (09022015). Collection method: clinical testing. Allele origin: germline.

All of Us Research Program, National Institutes of Health
Classification: Likely benign for Wilson disease. Last evaluated: 2023-08-15. Review status: criteria provided, single submitter. Criteria: ACMG Guidelines, 2015. Collection method: clinical testing. Allele origin: germline. Inheritance: Autosomal recessive inheritance. Observed: 1 variant allele, 1 heterozygote.
Comment: This study involves interpretation of variants in research participants for the purpose of population health screening. Participant phenotype was not available at the time of variant classification. Additional details can be found in publication PMID: 35346344, PMCID: PMC8962531

Color Diagnostics, LLC DBA Color Health
Classification: Likely benign for Wilson disease. Last evaluated: 2023-08-02. Review status: criteria provided, single submitter. Criteria: ACMG Guidelines, 2015. Collection method: clinical testing. Allele origin: germline.

Natera, Inc.
Classification: Uncertain significance for Wilson disease. Last evaluated: 2020-04-15. Review status: no assertion criteria provided. Collection method: clinical testing. Allele origin: germline. Not counted in ClinVar's aggregate classification.

NM_000053.4(ATP7B):c.1002T>C (p.Ser334=)

Gene: ATP7B (ATPase copper transporting beta; minus strand). Cytogenetic location: 13q14.3.
Variant type: single nucleotide variant.
Coding change: c.1002T>C on transcript NM_000053.4 (MANE Select); coding-DNA position 1002, T replaced by C.
Protein change: p.Ser334=; no amino-acid change (serine 334 retained).
Molecular consequence: synonymous variant. On other transcripts: intron variant (1).
Genome position (GRCh38, 1-based): chr13:51,974,218, A>G on the plus strand (T>C on the coding strand, the complement: ATP7B is on the minus strand). VCF-style: chr13-51974218-A-G. GRCh37 (hg19) VCF-style: chr13-52548354-A-G.
Other names: c.1002T>C, p.Ser334= (NM_001005918.3, NM_001330578.2, NM_001330579.2); c.803-134T>C (NM_001243182.2).
Identifiers: ClinVar variation 991751 (VCV000991751.10), dbSNP rs1951990469, ClinGen allele CA484024629.
Genomic context (GRCh38, chr13:51,974,218, plus strand): 5'-GACCTGGTTTCTCGGTGGGGAGCCAGGGGAATGAGAACTGGAAGACCTGTGATCTGTCCC[A>G]CTCCCTTCGGCTCCATCAGGAAGAGAAACTTTAAAATTCCCAGGTGGAAGTGCCTCGATA-3'
Protein context (NP_000044.2, residues 324-344): KVSLPDGAEG[Ser334=]GTDHRSSSSH